The following is an entry in ClinVar:

NM_005228.5(EGFR):c.2527G>A (p.Val843Ile)

Gene: EGFR (epidermal growth factor receptor; plus strand). Cytogenetic location: 7p11.2.
Variant type: single nucleotide variant.
Coding change: c.2527G>A on transcript NM_005228.5 (MANE Select); coding-DNA position 2527, G replaced by A.
Protein change: p.Val843Ile; replaces valine 843 with isoleucine.
Molecular consequence: missense variant.
Genome position (GRCh38, 1-based): chr7:55,191,776, G>A. VCF-style: chr7-55191776-G-A. GRCh37 (hg19) VCF-style: chr7-55259469-G-A.
Other names: c.2392G>A, p.Val798Ile (NM_001346897.2, NM_001346899.2); c.2527G>A, p.Val843Ile (NM_001346898.2); c.2368G>A, p.Val790Ile (NM_001346900.2); c.1726G>A, p.Val576Ile (NM_001346941.2); c.2527G>A (NM_005228.4); short protein forms V843I, V576I, V790I, V798I.
Identifiers: ClinVar variation 376212 (VCV000376212.10), dbSNP rs146795390, ClinGen allele CA16602666.

ClinVar aggregate classification (germline): Conflicting classifications of pathogenicity. Review status: criteria provided, conflicting classifications (1 of 4 stars). 3 submissions from 3 submitters: Likely pathogenic (1); Uncertain significance (2). Last evaluated 2026-02-02.

Conditions:
Lung cancer. Also called: Malignant tumor of lung; Lung cancer, somatic. Identifiers: MedGen C0242379, MONDO:0008903, OMIM 211980.
EGFR-related lung cancer (EGFR). Identifiers: MedGen CN130014.
Hereditary cancer-predisposing syndrome. Also called: Hereditary neoplastic syndrome; Hereditary Cancer Syndrome; Neoplastic Syndromes, Hereditary; Tumor predisposition. Identifiers: Orphanet 140162, MedGen C0027672, MeSH D009386, MONDO:0015356.

Allele frequency attached by ClinVar (database versions not stated): TOPMed below 0.00001; gnomAD 0.00001; gnomAD exomes 0.00001; ESP Exome Variant Server 0.00008.
gnomAD v4.1: 6 of 1,613,922 alleles (0.00037%); highest among the groups gnomAD compares: East Asian, 0.0022%; no homozygotes.

Submissions (3):

Labcorp Genetics (formerly Invitae), Labcorp
Classification: Uncertain significance for EGFR-related lung cancer. Last evaluated: 2026-02-02. Review status: criteria provided, single submitter. Criteria: Invitae Variant Classification Sherloc (09022015). Collection method: clinical testing. Allele origin: germline.
Comment: This sequence change replaces valine, which is neutral and non-polar, with isoleucine, which is neutral and non-polar, at codon 843 of the EGFR protein (p.Val843Ile). This variant is present in population databases (rs146795390, gnomAD 0.0009%). This missense change has been observed in individual(s) with lung cancer (PMID: 18355544, 21172876, 23380224, 25176975, 34012789). It has also been observed to segregate with disease in related individuals. ClinVar contains an entry for this variant (Variation ID: 376212). Invitae Evidence Modeling of protein sequence and biophysical properties (such as structural, functional, and spatial information, amino acid conservation, physicochemical variation, residue mobility, and thermodynamic stability) indicates that this missense variant is not expected to disrupt EGFR protein function with a negative predictive value of 80%. Experimental studies have shown that this missense change affects EGFR function (PMID: 25057940). In summary, the available evidence is currently insufficient to determine the role of this variant in disease. Therefore, it has been classified as a Variant of Uncertain Significance.

Ambry Genetics
Classification: Uncertain significance for Hereditary cancer-predisposing syndrome. Last evaluated: 2025-07-18. Review status: criteria provided, single submitter. Criteria: Ambry Variant Classification Scheme 2023. Collection method: clinical testing. Allele origin: germline.
Comment: The p.V843I variant (also known as c.2527G>A), located in coding exon 21 of the EGFR gene, results from a G to A substitution at nucleotide position 2527. The valine at codon 843 is replaced by isoleucine, an amino acid with highly similar properties. This alteration has been identified in individuals diagnosed with lung cancer (Ohtsuka K et al. JCO Precis Oncol, 2019 Jul;3:; Alsaddah S et al. Lung Cancer, 2023 Jul;181:107247). Functional studies suggest this variant impacts protein activity; however, the physiological relevance of this finding is/these findings are unclear (Matsushima S et al. J Thorac Oncol, 2014 Sep;9:1377-84). This amino acid position is highly conserved in available vertebrate species. In addition, the in silico prediction for this alteration is inconclusive. Based on the available evidence, the clinical significance of this variant remains unclear.

KCCC/NGS Laboratory, Kuwait Cancer Control Center
Classification: Likely pathogenic for Lung cancer. Last evaluated: 2025-07-07. Review status: criteria provided, single submitter. Criteria: ACMG Guidelines, 2015. Collection method: clinical testing. Allele origin: germline. Inheritance: Autosomal dominant inheritance. Affected: yes. Observed: 1 heterozygote.
Comment: The EGFR exon 21 V843I mutation is located in the EGFR tyrosine kinase domain. This mutation has been identified as a germline variant that predisposes patients to lung cancer (PMID: 23380224, 21172876, 18355544)(Abstract: Ohtsuka et al. JCO PO, 2019.). Cell line experiments demonstrate that this mutation is activating, transforming and resistant to EGFR tyrosine kinase inhibitors (TKIs) (PMID: 25057940, 23380224, 21172876, 18355544). Despite cell line data demonstrating that V843I confers resistance to EGFR TKIs (PMID: 25057940, 23380224, 21172876, 18355544), in two clinical studies, three patients with non-small cell lung cancer (NSCLC) harboring the EGFR V843I mutation alone or in combination with the erlotinib- and gefitinib-sensitive EGFR L858R mutation had a partial response (one of three) or stable disease (two of three) upon treatment with gefitinib (PMID: 18000506, 19536777).

Literature cited by the submitters: PubMed 18355544 (cited by Labcorp Genetics (formerly Invitae), Labcorp); PubMed 21172876 (cited by Labcorp Genetics (formerly Invitae), Labcorp); PubMed 23380224 (cited by Labcorp Genetics (formerly Invitae), Labcorp); PubMed 25176975 (cited by Labcorp Genetics (formerly Invitae), Labcorp); PubMed 34012789 (cited by Labcorp Genetics (formerly Invitae), Labcorp); PubMed 25057940 (cited by Labcorp Genetics (formerly Invitae), Labcorp and Ambry Genetics); PubMed 32914005 (cited by Ambry Genetics); PubMed 37209596 (cited by Ambry Genetics).